The following is an entry in ClinVar:

ClinVar aggregate classification (germline): Pathogenic (1 of 4 stars; one submission).
ClinVar aggregate classification (oncogenicity): Likely oncogenic (1 of 4 stars; one submission).

Conditions:
Kabuki syndrome 2 (KABUK2). Also called: KDM6A-Related Kabuki Syndrome. Identifiers: Orphanet 2322, MedGen C3275495, MONDO:0010465, OMIM 300867.
Neoplasm. Also called: tumor; Neoplasms; Neoplasm (disease). Identifiers: MedGen C0027651, MeSH D009369, MONDO:0005070, HP:0002664.

Submissions (2):

Center for Genomic Medicine, Rigshospitalet, Copenhagen University Hospital
Classification: Likely oncogenic for Neoplasm. Last evaluated: 2026-10-16. Review status: criteria provided, single submitter. Criteria: ClinGen/CGC/VICC Guidelines for Oncogenicity, 2022. Collection method: clinical testing. Allele origin: somatic. Affected: yes.

Labcorp Genetics (formerly Invitae), Labcorp
Classification: Pathogenic for Kabuki syndrome 2. Last evaluated: 2022-05-03. Review status: criteria provided, single submitter. Criteria: Invitae Variant Classification Sherloc (09022015). Collection method: clinical testing. Allele origin: germline.
Comment: This sequence change creates a premature translational stop signal (p.Gln117*) in the KDM6A gene. It is expected to result in an absent or disrupted protein product. Loss-of-function variants in KDM6A are known to be pathogenic (PMID: 23076834, 23913813). This variant is not present in population databases (gnomAD no frequency). For these reasons, this variant has been classified as Pathogenic. This variant has not been reported in the literature in individuals affected with KDM6A-related conditions.

Literature cited by the submitters: PubMed 23076834 (cited by Labcorp Genetics (formerly Invitae), Labcorp); PubMed 23913813 (cited by Labcorp Genetics (formerly Invitae), Labcorp).

NM_001291415.2(KDM6A):c.349C>T (p.Gln117Ter)

Gene: KDM6A (lysine demethylase 6A; plus strand). Cytogenetic location: Xp11.3.
Variant type: single nucleotide variant.
Coding change: c.349C>T on transcript NM_001291415.2 (MANE Select); coding-DNA position 349, C replaced by T.
Protein change: p.Gln117Ter; replaces glutamine 117 with a stop codon.
Molecular consequence: nonsense. On other transcripts: 5 prime UTR variant (1), non-coding transcript variant (1).
Genome position (GRCh38, 1-based): chrX:44,974,680, C>T. VCF-style: chrX-44974680-C-T. GRCh37 (hg19) VCF-style: chrX-44833925-C-T.
Other names: c.349C>T, p.Gln117Ter (NM_001291416.2, NM_001291417.2, NM_001291418.2 and 2 more transcripts); c.-284C>T (NM_001291421.2); short protein forms Q117*.
Identifiers: ClinVar variation 2133290 (VCV002133290.5), dbSNP rs2520298620, ClinGen allele CA413021378.